The following is an entry in ClinVar:

ClinVar aggregate classification (germline): Uncertain significance (1 of 4 stars; one submission).

Conditions:
Familial adenomatous polyposis 1 (FAP1). Also called: FAMILIAL ADENOMATOUS POLYPOSIS 1, ATTENUATED; POLYPOSIS, ADENOMATOUS INTESTINAL. Identifiers: MedGen C2713442, MONDO:0021056, OMIM 175100. Disease mechanism: loss of function.

Allele frequency attached by ClinVar (database versions not stated): gnomAD 0.00004 and 0.00003; TOPMed below 0.00001.

Submission:

Labcorp Genetics (formerly Invitae), Labcorp
Classification: Uncertain significance for Familial adenomatous polyposis 1. Last evaluated: 2025-12-21. Review status: criteria provided, single submitter. Criteria: Invitae Variant Classification Sherloc (09022015). Collection method: clinical testing. Allele origin: germline.
Comment: This variant occurs in a non-coding region of the APC gene. It does not change the encoded amino acid sequence of the APC protein. This variant is not present in population databases (gnomAD no frequency). This variant has not been reported in the literature in individuals affected with APC-related conditions. ClinVar contains an entry for this variant (Variation ID: 469850). Experimental studies and prediction algorithms are not available or were not evaluated, and the functional significance of this variant is currently unknown. In summary, the available evidence is currently insufficient to determine the role of this variant in disease. Therefore, it has been classified as a Variant of Uncertain Significance.

NM_001127511.3(APC):c.-170G>C

Gene: APC (APC regulator of Wnt signaling pathway; plus strand). Cytogenetic location: 5q22.2.
Variant type: single nucleotide variant.
Coding change: c.-170G>C on transcript NM_001127511.3; 170 bases upstream of the start codon, G replaced by C.
Molecular consequence: 5 prime UTR variant. On other transcripts: non-coding transcript variant (2).
Genome position (GRCh38, 1-based): chr5:112,707,548, G>C. VCF-style: chr5-112707548-G-C. GRCh37 (hg19) VCF-style: chr5-112043245-G-C.
Other names: c.-353G>C (NM_001354895.2, NM_001407447.1, NM_001407452.1 and 3 more transcripts); c.-170G>C (NM_001354897.2, NM_001354902.2, NM_001407446.1); c.-120G>C (NM_001407448.1, NM_001407450.1, NM_001407457.1 and 1 more transcripts); c.-144G>C (NM_001407453.1); c.-1388G>C (NM_001407470.1, NM_001407472.1).
Identifiers: ClinVar variation 469850 (VCV000469850.47), dbSNP rs1000470082, ClinGen allele CA124924875.